The following is an entry in ClinVar:

NM_000717.5(CA4):c.772_774delinsAGT (p.Tyr258Ser)

Gene: CA4 (carbonic anhydrase 4; plus strand). Cytogenetic location: 17q23.1.
Variant type: Indel.
Coding change: c.772_774delinsAGT on transcript NM_000717.5 (MANE Select); coding-DNA positions 772 to 774, TAC replaced by AGT.
Protein change: p.Tyr258Ser; replaces tyrosine 258 with serine.
Molecular consequence: missense variant. On other transcripts: non-coding transcript variant (1).
Genome position (GRCh38, 1-based): chr17:60,159,257-60,159,259, TAC replaced by AGT. VCF-style: chr17-60159257-TAC-AGT. GRCh37 (hg19) VCF-style: chr17-58236618-TAC-AGT.
Other names: short protein forms Y258S.
Identifiers: ClinVar variation 1389043 (VCV001389043.6), dbSNP rs2145282343, ClinGen allele CA2573154446.

ClinVar aggregate classification (germline): Uncertain significance (1 of 4 stars; one submission).

Submission:

Labcorp Genetics (formerly Invitae), Labcorp
Classification: Uncertain significance. Last evaluated: 2022-07-06. Review status: criteria provided, single submitter. Criteria: Invitae Variant Classification Sherloc (09022015). Collection method: clinical testing. Allele origin: germline.
Comment: ClinVar contains an entry for this variant (Variation ID: 1389043). In summary, the available evidence is currently insufficient to determine the role of this variant in disease. Therefore, it has been classified as a Variant of Uncertain Significance. Algorithms developed to predict the effect of missense changes on protein structure and function are either unavailable or do not agree on the potential impact of this missense change (SIFT: "Not Available"; PolyPhen-2: "Probably Damaging"; Align-GVGD: "Not Available"). This missense change has been observed in individuals with clinical features of retinitis pigmentosa (Invitae). Information on the frequency of this variant in the gnomAD database is not available, as this variant may be reported differently in the database. This sequence change replaces tyrosine, which is neutral and polar, with serine, which is neutral and polar, at codon 258 of the CA4 protein (p.Tyr258Ser).